The following is an entry in ClinVar:

NM_000298.6(PKLR):c.1153A>T (p.Arg385Trp)

Gene: PKLR (pyruvate kinase L/R; minus strand). Cytogenetic location: 1q22.
Variant type: single nucleotide variant.
Coding change: c.1153A>T on transcript NM_000298.6 (MANE Select); coding-DNA position 1153, A replaced by T.
Protein change: p.Arg385Trp; replaces arginine 385 with tryptophan.
Molecular consequence: missense variant.
Genome position (GRCh38, 1-based): chr1:155,293,554, T>A on the plus strand (A>T on the coding strand, the complement: PKLR is on the minus strand). VCF-style: chr1-155293554-T-A. GRCh37 (hg19) VCF-style: chr1-155263345-T-A.
Other names: c.1060A>T, p.Arg354Trp (NM_181871.4); short protein forms R354W, R385W.
Identifiers: ClinVar variation 4746886 (VCV004746886.1).

ClinVar aggregate classification (germline): Uncertain significance (1 of 4 stars; one submission).

gnomAD v4.1: 1 of 1,614,160 alleles (0.000062%); highest among the groups gnomAD compares: Non-Finnish European, 0.000085%; no homozygotes.

Submission:

Labcorp Genetics (formerly Invitae), Labcorp
Classification: Uncertain significance. Last evaluated: 2025-12-24. Review status: criteria provided, single submitter. Criteria: Invitae Variant Classification Sherloc (09022015). Collection method: clinical testing. Allele origin: germline.
Comment: This sequence change replaces arginine, which is basic and polar, with tryptophan, which is neutral and slightly polar, at codon 385 of the PKLR protein (p.Arg385Trp). This variant is not present in population databases (gnomAD no frequency). This missense change has been observed in individual(s) with autosomal recessive pyruvate kinase deficiency (PMID: 10828047). Invitae Evidence Modeling of protein sequence and biophysical properties (such as structural, functional, and spatial information, amino acid conservation, physicochemical variation, residue mobility, and thermodynamic stability) indicates that this missense variant is expected to disrupt PKLR protein function with a positive predictive value of 80%. This variant disrupts the p.Arg385 amino acid residue in PKLR. Other variant(s) that disrupt this residue have been observed in individuals with PKLR-related conditions (PMID: 16704447), which suggests that this may be a clinically significant amino acid residue. In summary, the available evidence is currently insufficient to determine the role of this variant in disease. Therefore, it has been classified as a Variant of Uncertain Significance.

Literature cited by the submitters: PubMed 10828047; PubMed 16704447.